The following is an entry in ClinVar:

ClinVar aggregate classification (germline): Pathogenic (1 of 4 stars; one submission).

Conditions:
Rare genetic deafness. Identifiers: Orphanet 96210, MedGen C5680250.

Submission:

Laboratory for Molecular Medicine, Mass General Brigham Personalized Medicine
Classification: Pathogenic for Rare genetic deafness. Last evaluated: 2014-02-17. Review status: criteria provided, single submitter. Criteria: LMM Criteria. Collection method: clinical testing. Allele origin: germline. Observed: 1 variant allele.
Comment: The Thr3354fs variant in GPR98 has not been previously reported in individuals w ith hearing loss and was absent from large population studies. This frameshift v ariant is predicted to alter the protein?s amino acid sequence beginning at posi tion 3354 and lead to a premature termination codon 9 amino acids downstream. Th is alteration is then predicted to lead to a truncated or absent protein. In su mmary, this variant meets our criteria to be classified as pathogenic.

NM_032119.4(ADGRV1):c.10060_10063del (p.Thr3354fs)

Gene: ADGRV1 (adhesion G protein-coupled receptor V1; plus strand). Cytogenetic location: 5q14.3.
Variant type: Microsatellite.
Coding change: c.10060_10063del on transcript NM_032119.4 (MANE Select); coding-DNA positions 10060 to 10063, 4 bases deleted (ACAA; older notation c.10060_10063delACAA).
Protein change: p.Thr3354fs; shifts the reading frame from threonine 3354.
Molecular consequence: frameshift variant. On other transcripts: non-coding transcript variant (1).
Genome position (GRCh38, 1-based): chr5:90,725,555-90,725,558, ACAA deleted; deleting any 4 consecutive bases within chr5:90,725,551-90,725,558 gives the same sequence; the c. name uses the placement nearest the transcript's 3' end. VCF-style (leftmost placement, unchanged base first): chr5-90725550-TACAA-T. GRCh37 (hg19) VCF-style: chr5-90021367-TACAA-T.
Other names: short protein forms T3354fs.
Identifiers: ClinVar variation 179597 (VCV000179597.4), dbSNP rs727504978, ClinGen allele CA273638.
Genomic context (GRCh38, chr5:90,725,550, plus strand): 5'-TCAGTGGCTTTCTTAGTTCAACTCTCCTTTAAGTTTTCATTCCCACTCTGTCCTTGCAGG[TACAA>T]ACAATCATTATTCTGGAAAGTTCTCAAGTAAGATATTTTACTTCAGACAGCCAAGATTAT-3'